The following is an entry in ClinVar:

NM_001242957.3(MAK):c.1765T>G (p.Leu589Val)

Gene: MAK (male germ cell associated kinase; minus strand). Cytogenetic location: 6p24.2.
Variant type: single nucleotide variant.
Coding change: c.1765T>G on transcript NM_001242957.3 (MANE Select); coding-DNA position 1765, T replaced by G.
Protein change: p.Leu589Val; replaces leucine 589 with valine.
Molecular consequence: missense variant. On other transcripts: non-coding transcript variant (2), intron variant (2).
Genome position (GRCh38, 1-based): chr6:10,770,138, A>C on the plus strand (T>G on the coding strand, the complement: MAK is on the minus strand). VCF-style: chr6-10770138-A-C. GRCh37 (hg19) VCF-style: chr6-10770371-A-C.
Other names: c.1690T>G, p.Leu564Val (NM_005906.6); c.1495+5190T>G (NM_001377262.1); c.1597+5190T>G (NM_001242385.2); short protein forms L564V, L589V.
Identifiers: ClinVar variation 1060977 (VCV001060977.7), dbSNP rs2127511181, ClinGen allele CA362714363.

ClinVar aggregate classification (germline): Uncertain significance (1 of 4 stars; one submission).

Allele frequency attached by ClinVar (database versions not stated): gnomAD exomes below 0.00001.
gnomAD v4.1: 1 of 1,614,166 alleles (0.000062%); highest among the groups gnomAD compares: Non-Finnish European, 0.000085%; no homozygotes.

Submission:

Labcorp Genetics (formerly Invitae), Labcorp
Classification: Uncertain significance. Last evaluated: 2024-10-29. Review status: criteria provided, single submitter. Criteria: Invitae Variant Classification Sherloc (09022015). Collection method: clinical testing. Allele origin: germline.
Comment: This sequence change replaces leucine, which is neutral and non-polar, with valine, which is neutral and non-polar, at codon 589 of the MAK protein (p.Leu589Val). This variant is not present in population databases (gnomAD no frequency). This variant has not been reported in the literature in individuals affected with MAK-related conditions. ClinVar contains an entry for this variant (Variation ID: 1060977). Invitae Evidence Modeling of protein sequence and biophysical properties (such as structural, functional, and spatial information, amino acid conservation, physicochemical variation, residue mobility, and thermodynamic stability) indicates that this missense variant is not expected to disrupt MAK protein function with a negative predictive value of 95%. In summary, the available evidence is currently insufficient to determine the role of this variant in disease. Therefore, it has been classified as a Variant of Uncertain Significance.